The following is an entry in ClinVar:

ClinVar aggregate classification (germline): Likely pathogenic (1 of 4 stars; one submission).

Conditions:
Aicardi-Goutieres syndrome 6 (AGS6). Identifiers: Orphanet 51, MedGen C3539013, MONDO:0014007, OMIM 615010.
Symmetrical dyschromatosis of extremities (DSH). Also called: RETICULATE ACROPIGMENTATION OF DOHI; SYMMETRIC DYSCHROMATOSIS OF THE EXTREMITIES; DYSCHROMATOSIS SYMMETRICA HEREDITARIA 1; Dyschromatosis symmetrica hereditaria. Identifiers: Orphanet 41, MedGen C0406775, MONDO:0007483, OMIM 127400.

Submission:

Juno Genomics, Hangzhou Juno Genomics, Inc
Classification: Likely pathogenic for Aicardi-Goutieres syndrome 6; Symmetrical dyschromatosis of extremities. Review status: criteria provided, single submitter. Criteria: ACMG Guidelines, 2015. Collection method: clinical testing. Allele origin: germline.
Comment: Null variant in a gene where loss of function (LOF) is a known mechanism of disease.;Absent from controls (or at extremely low frequency if recessive) in Genome Aggregation Database.

NM_001111.5(ADAR):c.2097dup (p.Glu700fs)

Gene: ADAR (adenosine deaminase RNA specific; minus strand). Cytogenetic location: 1q21.3.
Variant type: Duplication.
Coding change: c.2097dup on transcript NM_001111.5 (MANE Select); coding-DNA position 2097, one base duplicated (A; older notation c.2097dupA).
Protein change: p.Glu700fs; shifts the reading frame from glutamic acid 700.
Molecular consequence: frameshift variant. On other transcripts: intron variant (1).
Genome position (GRCh38, 1-based): chr1:154,596,978, T duplicated on the plus strand (A on the coding strand, the reverse complement: ADAR is on the minus strand). VCF-style (leftmost placement, unchanged base first): chr1-154596977-C-CT. GRCh37 (hg19) VCF-style: chr1-154569453-C-CT.
Other names: c.1212dup, p.Glu405fs (NM_001025107.3, NM_001193495.2, NM_001365046.1 and 3 more transcripts); c.2124dup, p.Glu709fs (NM_001365045.1); c.2097dup, p.Glu700fs (NM_015840.4); c.2080-40dup (NM_015841.4); short protein forms E405fs, E700fs, E709fs.
Identifiers: ClinVar variation 5007794 (VCV005007794.2).